The following is an entry in ClinVar:

NM_001366686.3(SIK3):c.822C>T (p.Arg274=)

Gene: SIK3 (SIK family kinase 3; minus strand). Cytogenetic location: 11q23.3.
Variant type: single nucleotide variant.
Coding change: c.822C>T on transcript NM_001366686.3 (MANE Select); coding-DNA position 822, C replaced by T.
Protein change: p.Arg274=; no amino-acid change (arginine 274 retained).
Molecular consequence: synonymous variant.
Genome position (GRCh38, 1-based): chr11:116,896,296, G>A on the plus strand (C>T on the coding strand, the complement: SIK3 is on the minus strand). VCF-style: chr11-116896296-G-A. GRCh37 (hg19) VCF-style: chr11-116767012-G-A.
Other names: c.345C>T, p.Arg115= (NM_001281748.3); c.822C>T, p.Arg274= (NM_001281749.3, NM_025164.6).
Identifiers: ClinVar variation 3058637 (VCV003058637.2), dbSNP rs781741381, ClinGen allele CA6290860.

ClinVar aggregate classification (germline): Likely benign (0 of 4 stars; one submission).

Conditions:
SIK3-related disorder. Also called: SIK3-related condition.

Allele frequency attached by ClinVar (database versions not stated): gnomAD 0.00001; TOPMed 0.00001; gnomAD exomes 0.00003; ExAC 0.00007.
gnomAD v4.1: 43 of 1,613,798 alleles (0.0027%); highest among the groups gnomAD compares: South Asian, 0.04%; no homozygotes.

Submission:

PreventionGenetics, part of Exact Sciences
Classification: Likely benign for SIK3-related condition. Last evaluated: 2019-04-23. Review status: no assertion criteria provided. Collection method: clinical testing. Allele origin: germline.
Comment: This variant is classified as likely benign based on ACMG/AMP sequence variant interpretation guidelines (Richards et al. 2015 PMID: 25741868, with internal and published modifications).